The following is an entry in ClinVar:

ClinVar aggregate classification (germline): Uncertain significance (1 of 4 stars; one submission).

gnomAD v4.1: 2 of 1,614,048 alleles (0.00012%); no homozygotes.

Submission:

Labcorp Genetics (formerly Invitae), Labcorp
Classification: Uncertain significance. Last evaluated: 2021-09-22. Review status: criteria provided, single submitter. Criteria: Invitae Variant Classification Sherloc (09022015). Collection method: clinical testing. Allele origin: germline.
Comment: This sequence change replaces glycine with valine at codon 332 of the COX10 protein (p.Gly332Val). The glycine residue is moderately conserved and there is a moderate physicochemical difference between glycine and valine. This variant is not present in population databases (ExAC no frequency). This variant has not been reported in the literature in individuals affected with COX10-related conditions. Algorithms developed to predict the effect of missense changes on protein structure and function are either unavailable or do not agree on the potential impact of this missense change (SIFT: "Deleterious"; PolyPhen-2: "Possibly Damaging"; Align-GVGD: "Class C15"). In summary, the available evidence is currently insufficient to determine the role of this variant in disease. Therefore, it has been classified as a Variant of Uncertain Significance.

NM_001303.4(COX10):c.995G>T (p.Gly332Val)

Gene: COX10 (cytochrome c oxidase assembly factor heme A:farnesyltransferase COX10; plus strand). Cytogenetic location: 17p12.
Variant type: single nucleotide variant.
Coding change: c.995G>T on transcript NM_001303.4 (MANE Select); coding-DNA position 995, G replaced by T.
Protein change: p.Gly332Val; replaces glycine 332 with valine.
Molecular consequence: missense variant.
Genome position (GRCh38, 1-based): chr17:14,206,876, G>T. VCF-style: chr17-14206876-G-T. GRCh37 (hg19) VCF-style: chr17-14110193-G-T.
Other names: short protein forms G332V.
Identifiers: ClinVar variation 1507076 (VCV001507076.3), dbSNP rs778473674, ClinGen allele CA398225921.